The following is an entry in ClinVar:

ClinVar aggregate classification (germline): Uncertain significance (1 of 4 stars; one submission).

Conditions:
Hereditary pancreatitis (PCTT). Also called: PRSS1-Related Hereditary Pancreatitis; Hereditary chronic pancreatitis. Identifiers: Orphanet 676, MedGen C0238339, MONDO:0008185, OMIM 167800.

Submission:

Labcorp Genetics (formerly Invitae), Labcorp
Classification: Uncertain significance for Hereditary pancreatitis. Last evaluated: 2023-05-23. Review status: criteria provided, single submitter. Criteria: Invitae Variant Classification Sherloc (09022015). Collection method: clinical testing. Allele origin: germline.
Comment: In summary, the available evidence is currently insufficient to determine the role of this variant in disease. Therefore, it has been classified as a Variant of Uncertain Significance. This variant has not been reported in the literature in individuals affected with PRSS1-related conditions. This variant is not present in population databases (gnomAD no frequency). This variant, c.653_655dup, results in the insertion of 1 amino acid(s) of the PRSS1 protein (p.Asp218dup), but otherwise preserves the integrity of the reading frame.

NM_002769.5(PRSS1):c.653_655dup (p.Asp218_Gly219insAsp)

Genes: TRB (T cell receptor beta locus; plus strand), PRSS1 (serine protease 1; plus strand). Cytogenetic location: 7q34.
Variant type: Duplication.
Coding change: c.653_655dup on transcript NM_002769.5 (MANE Select); coding-DNA positions 653 to 655, 3 bases duplicated (ATG; older notation c.653_655dupATG).
Protein change: p.Asp218_Gly219insAsp.
Molecular consequence: inframe insertion. On other transcripts: non-coding transcript variant (5).
Genome position (GRCh38, 1-based): chr7:142,752,929-142,752,931, ATG duplicated; duplicating any 3 consecutive bases within chr7:142,752,927-142,752,931 gives the same sequence; the c. name uses the placement nearest the transcript's 3' end. VCF-style (leftmost placement, unchanged base first): chr7-142752926-G-GTGA. GRCh37 (hg19) VCF-style: chr7-142460777-G-GTGA.
Identifiers: ClinVar variation 2910359 (VCV002910359.3), dbSNP rs2485769023, ClinGen allele CA2739279286.
Genomic context (GRCh38, chr7:142,752,926, plus strand): 5'-AGGGTGATTCTGGTGGCCCTGTGGTCTGCAATGGACAGCTCCAAGGAGTTGTCTCCTGGG[G>GTGA]TGATGGCTGTGCCCAGAAGAACAAGCCTGGAGTCTACACCAAGGTCTACAACTATGTGAA-3'